The following is an entry in ClinVar:

ClinVar aggregate classification (germline): Uncertain significance (1 of 4 stars; one submission).

Conditions:
Hereditary cancer-predisposing syndrome. Also called: Neoplastic Syndromes, Hereditary; Tumor predisposition; Hereditary Cancer Syndrome; Hereditary neoplastic syndrome. Identifiers: Orphanet 140162, MedGen C0027672, MeSH D009386, MONDO:0015356.

Submission:

Ambry Genetics
Classification: Uncertain significance for Hereditary cancer-predisposing syndrome. Last evaluated: 2025-12-04. Review status: criteria provided, single submitter. Criteria: Ambry Variant Classification Scheme 2023. Collection method: clinical testing. Allele origin: germline.
Comment: The c.388G>A variant (also known as p.V130M), located in coding exon 4 of the MUTYH gene, results from a G to A substitution at nucleotide position 388. The amino acid change results in valine to methionine at codon 130, an amino acid with highly similar properties. However, this change occurs in the last base pair of coding exon 4, which makes it likely to have some effect on normal mRNA splicing. This nucleotide position is highly conserved in available vertebrate species. In silico splice site analysis predicts that this alteration will weaken the native splice donor site; however, direct evidence is insufficient at this time (Ambry internal data). In addition, this amino acid substitution is predicted to be deleterious by in silico analysis. Based on the available evidence, the clinical significance of this variant remains unclear.

NM_001048174.2(MUTYH):c.304G>A (p.Val102Met)

Gene: MUTYH (mutY DNA glycosylase; minus strand). Cytogenetic location: 1p34.1.
Variant type: single nucleotide variant.
Coding change: c.304G>A on transcript NM_001048174.2 (MANE Select); coding-DNA position 304, G replaced by A.
Protein change: p.Val102Met; replaces valine 102 with methionine.
Molecular consequence: missense variant. On other transcripts: synonymous variant (3), non-coding transcript variant (7).
Genome position (GRCh38, 1-based): chr1:45,333,285, C>T on the plus strand (G>A on the coding strand, the complement: MUTYH is on the minus strand). VCF-style: chr1-45333285-C-T. GRCh37 (hg19) VCF-style: chr1-45798957-C-T.
Other names: c.304G>A, p.Val102Met (NM_001048171.2, NM_001048173.2, NM_001293195.2 and 6 more transcripts); c.307G>A, p.Val103Met (NM_001048172.2, NM_001407071.1, NM_001407078.1 and 2 more transcripts); c.388G>A, p.Val130Met (NM_001128425.2); c.349G>A, p.Val117Met (NM_001293190.2); c.337G>A, p.Val113Met (NM_001293191.2, NM_001407077.1); c.28G>A, p.Val10Met (NM_001293192.2, NM_001293196.2, NM_001407091.1); c.33G>A, p.Leu11= (NM_001350650.2, NM_001350651.2, NM_001407082.1); c.379G>A, p.Val127Met (NM_001407069.1, NM_012222.3); and 3 more; short protein forms V103M, V113M, V74M, V117M, V102M, V116M, V109M, V10M.
Identifiers: ClinVar variation 4659854 (VCV004659854.1).
Genomic context (GRCh38, chr1:45,333,285, plus strand): 5'-CAGCCCCCAGACCCAAGGGCCTCGAGGCAAAGTGGCCCTGCTCTCAGGAGATGTACTGAC[C>T]AGCATATGCCCGCCTGTCCAGGTCCATCTCATCTTCTGCCTGTCAATGCAACCCCAGATG-3'
Protein context (NP_001041639.1, residues 92-112): EMDLDRRAYA[Val102Met]WVSEVMLQQT